The following is an entry in ClinVar:

NM_000465.4(BARD1):c.1757G>A (p.Ser586Asn)

Gene: BARD1 (BRCA1 associated RING domain 1; minus strand). Cytogenetic location: 2q35.
Variant type: single nucleotide variant.
Coding change: c.1757G>A on transcript NM_000465.4 (MANE Select); coding-DNA position 1757, G replaced by A.
Protein change: p.Ser586Asn; replaces serine 586 with asparagine.
Molecular consequence: missense variant. On other transcripts: non-coding transcript variant (3), intron variant (1).
Genome position (GRCh38, 1-based): chr2:214,745,775, C>T on the plus strand (G>A on the coding strand, the complement: BARD1 is on the minus strand). VCF-style: chr2-214745775-C-T. GRCh37 (hg19) VCF-style: chr2-215610499-C-T.
Other names: c.1700G>A, p.Ser567Asn (NM_001282543.2); c.404G>A, p.Ser135Asn (NM_001282545.2); c.347G>A, p.Ser116Asn (NM_001282548.2); c.365-15267G>A (NM_001282549.2); c.1757G>A (NM_000465.2); short protein forms S586N, S116N, S135N, S567N.
Identifiers: ClinVar variation 581356 (VCV000581356.10), dbSNP rs369756202, ClinGen allele CA350452870.

ClinVar aggregate classification (germline): Uncertain significance. Review status: criteria provided, multiple submitters, no conflicts (2 of 4 stars). 2 submissions from 2 submitters: Uncertain significance (2). Last evaluated 2025-10-05.

Conditions:
Hereditary cancer-predisposing syndrome. Also called: Neoplastic Syndromes, Hereditary; Tumor predisposition; Hereditary neoplastic syndrome; Hereditary Cancer Syndrome. Identifiers: Orphanet 140162, MedGen C0027672, MeSH D009386, MONDO:0015356.
Familial cancer of breast. Also called: BREAST CANCER, FAMILIAL; hereditary breast carcinoma; Hereditary breast cancer. Identifiers: Orphanet 227535, MedGen C0346153, MONDO:0016419, OMIM 114480. Disease mechanism: loss of function.

gnomAD v4.1: 2 of 1,614,068 alleles (0.00012%); highest among the groups gnomAD compares: Non-Finnish European, 0.00017%; no homozygotes.

Submissions (2):

Ambry Genetics
Classification: Uncertain significance for Hereditary cancer-predisposing syndrome. Last evaluated: 2025-10-05. Review status: criteria provided, single submitter. Criteria: Ambry Variant Classification Scheme 2023. Collection method: clinical testing. Allele origin: germline.
Comment: The p.S586N variant (also known as c.1757G>A), located in coding exon 8 of the BARD1 gene, results from a G to A substitution at nucleotide position 1757. The serine at codon 586 is replaced by asparagine, an amino acid with highly similar properties. This amino acid position is conserved. In addition, this alteration is predicted to be tolerated by in silico analysis. Based on the available evidence, the clinical significance of this variant remains unclear.

Labcorp Genetics (formerly Invitae), Labcorp
Classification: Uncertain significance for Familial cancer of breast. Last evaluated: 2024-04-15. Review status: criteria provided, single submitter. Criteria: Invitae Variant Classification Sherloc (09022015). Collection method: clinical testing. Allele origin: germline.
Comment: This sequence change replaces serine, which is neutral and polar, with asparagine, which is neutral and polar, at codon 586 of the BARD1 protein (p.Ser586Asn). This variant is present in population databases (no rsID available, gnomAD 0.0009%). This variant has not been reported in the literature in individuals affected with BARD1-related conditions. ClinVar contains an entry for this variant (Variation ID: 581356). Algorithms developed to predict the effect of missense changes on protein structure and function output the following: SIFT: "Not Available"; PolyPhen-2: "Benign"; Align-GVGD: "Not Available". The asparagine amino acid residue is found in multiple mammalian species, which suggests that this missense change does not adversely affect protein function. In summary, the available evidence is currently insufficient to determine the role of this variant in disease. Therefore, it has been classified as a Variant of Uncertain Significance.